The following is an entry in ClinVar:

NM_182641.4(BPTF):c.3464A>G (p.His1155Arg)

Gene: BPTF (bromodomain PHD finger transcription factor; plus strand). Cytogenetic location: 17q24.2.
Variant type: single nucleotide variant.
Coding change: c.3464A>G on transcript NM_182641.4 (MANE Select); coding-DNA position 3464, A replaced by G.
Protein change: p.His1155Arg; replaces histidine 1155 with arginine.
Molecular consequence: missense variant.
Genome position (GRCh38, 1-based): chr17:67,911,348, A>G. VCF-style: chr17-67911348-A-G. GRCh37 (hg19) VCF-style: chr17-65907464-A-G.
Other names: c.3842A>G, p.His1281Arg (NM_004459.7); short protein forms H1281R, H1155R.
Identifiers: ClinVar variation 3481697 (VCV003481697.3).
Genomic context (GRCh38, chr17:67,911,348, plus strand): 5'-ACTTGATTCAGGGATGTTCAGAAAGTGATTCCTCAGTTCTTAGAATGAGTGATCCTAGTC[A>G]TACCACAAACAAACTTTATCCAAAAGATCGAGTGTTAGATGATGTCTCCATTCGGAGCCC-3'
Protein context (NP_872579.2, residues 1145-1165): SSVLRMSDPS[His1155Arg]TTNKLYPKDR

ClinVar aggregate classification (germline): Conflicting classifications of pathogenicity. Review status: criteria provided, conflicting classifications (1 of 4 stars). 2 submissions from 2 submitters: Uncertain significance (1); Likely benign (1). Last evaluated 2026-05-01.

Conditions:
Inborn genetic diseases. Identifiers: MedGen C0950123, MeSH D030342.

Submissions (2):

CeGaT Center for Human Genetics Tuebingen
Classification: Likely benign. Last evaluated: 2026-05-01. Review status: criteria provided, single submitter. Criteria: CeGaT Center For Human Genetics Tuebingen Variant Classification Criteria Version 2. Collection method: clinical testing. Allele origin: germline. Affected: yes. Observed: 1 variant allele.
Comment: BPTF: BP4, BS2

Ambry Genetics
Classification: Uncertain significance for Inborn genetic diseases. Last evaluated: 2024-11-23. Review status: criteria provided, single submitter. Criteria: Ambry Variant Classification Scheme 2023. Collection method: clinical testing. Allele origin: germline.